The following is an entry in ClinVar:

NM_001304360.2(CFAP74):c.612G>T (p.Glu204Asp)

Gene: CFAP74 (cilia and flagella associated protein 74; minus strand). Cytogenetic location: 1p36.33.
Variant type: single nucleotide variant.
Coding change: c.612G>T on transcript NM_001304360.2 (MANE Select); coding-DNA position 612, G replaced by T.
Protein change: p.Glu204Asp; replaces glutamic acid 204 with aspartic acid.
Molecular consequence: missense variant.
Genome position (GRCh38, 1-based): chr1:1,974,087, C>A on the plus strand (G>T on the coding strand, the complement: CFAP74 is on the minus strand). VCF-style: chr1-1974087-C-A. GRCh37 (hg19) VCF-style: chr1-1905526-C-A.
Other names: c.612G>T (NM_001304360.1); short protein forms E204D.
Identifiers: ClinVar variation 2638069 (VCV002638069.25), dbSNP rs200214481, ClinGen allele CA534163.

ClinVar aggregate classification (germline): Likely benign. Review status: criteria provided, single submitter (1 of 4 stars). 2 submissions from 2 submitters: Likely benign (1). 1 of the submissions does not count toward it. Last evaluated 2025-03-01.

Conditions:
CFAP74-related disorder. Also called: CFAP74-related condition.

Allele frequency attached by ClinVar (database versions not stated): gnomAD 0.00245; TOPMed 0.00260; ESP Exome Variant Server 0.00354; gnomAD exomes 0.00395; 1000 Genomes Project 30x 0.00031; ExAC 0.00223.
gnomAD v4.1: 6,101 of 1,612,130 alleles (0.38%); highest among the groups gnomAD compares: Non-Finnish European, 0.47%; 8 homozygotes.

Submissions (2):

CeGaT Center for Human Genetics Tuebingen
Classification: Likely benign. Last evaluated: 2025-03-01. Review status: criteria provided, single submitter. Criteria: CeGaT Center For Human Genetics Tuebingen Variant Classification Criteria Version 2. Collection method: clinical testing. Allele origin: germline. Affected: yes. Observed: 2 variant alleles.
Comment: CFAP74: BP4

PreventionGenetics, part of Exact Sciences
Classification: Likely benign for CFAP74-related condition. Last evaluated: 2023-01-06. Review status: no assertion criteria provided. Collection method: clinical testing. Allele origin: germline. Not counted in ClinVar's aggregate classification.
Comment: This variant is classified as likely benign based on ACMG/AMP sequence variant interpretation guidelines (Richards et al. 2015 PMID: 25741868, with internal and published modifications).